The following is an entry in ClinVar:

ClinVar aggregate classification (germline): Pathogenic (1 of 4 stars; one submission).

Conditions:
Inborn genetic diseases. Identifiers: MedGen C0950123, MeSH D030342.

Submission:

Ambry Genetics
Classification: Pathogenic for Inborn genetic diseases. Last evaluated: 2021-07-30. Review status: criteria provided, single submitter. Criteria: Ambry Variant Classification Scheme 2023. Collection method: clinical testing. Allele origin: germline.
Comment: The c.321_322delCC (p.F107Lfs*46) alteration, located in exon 1 (coding exon 1) of the IQSEC2 gene, consists of a deletion of 2 nucleotides from position 321 to 322, causing a translational frameshift with a predicted alternate stop codon after 46 amino acids. This alteration is expected to result in loss of function by premature protein truncation or nonsense-mediated mRNA decay. This variant was not reported in population-based cohorts in the Genome Aggregation Database (gnomAD). Based on the available evidence, this alteration is classified as pathogenic.

NM_001111125.3(IQSEC2):c.321_322del (p.Phe107fs)

Gene: IQSEC2 (IQ motif and Sec7 domain ArfGEF 2; minus strand). Cytogenetic location: Xp11.22.
Variant type: Deletion.
Coding change: c.321_322del on transcript NM_001111125.3 (MANE Select); coding-DNA positions 321 to 322, 2 bases deleted (CC; older notation c.321_322delCC).
Protein change: p.Phe107fs; shifts the reading frame from phenylalanine 107.
Molecular consequence: frameshift variant.
Genome position (GRCh38, 1-based): chrX:53,320,802-53,320,803, GG deleted on the plus strand (CC on the coding strand, the reverse complement: IQSEC2 is on the minus strand). VCF-style (leftmost placement, unchanged base first): chrX-53320801-TGG-T. GRCh37 (hg19) VCF-style: chrX-53349999-TGG-T.
Other names: c.321_322delCC, p.Phe107Leufs (NM_001410736.1); short protein forms F107fs.
Identifiers: ClinVar variation 2236940 (VCV002236940.2), dbSNP rs2520596891, ClinGen allele CA2580101257.